The following is an entry in ClinVar:

ClinVar aggregate classification (germline): Uncertain significance (1 of 4 stars; one submission).

Conditions:
Emery-Dreifuss muscular dystrophy 4, autosomal dominant (EDMD4). Also called: EMERY-DREIFUSS MUSCULAR DYSTROPHY 4 WITH VARIABLE FEATURES. Identifiers: Orphanet 261, MedGen C2751807, MONDO:0013071, OMIM 612998.
Autosomal recessive ataxia, Beauce type. Also called: Spinocerebellar ataxia, autosomal recessive 8; ATAXIA, RECESSIVE, OF BEAUCE; SYNE1 Deficiency; SYNE1-Related Autosomal Recessive Cerebellar Ataxia. Identifiers: Orphanet 88644, MedGen C1853116, MONDO:0012549, OMIM 610743.

Allele frequency attached by ClinVar (database versions not stated): TOPMed 0.00002; gnomAD exomes below 0.00001 and 0.00001; gnomAD 0.00001.
gnomAD v4.1: 11 of 1,614,040 alleles (0.00068%); highest among the groups gnomAD compares: Non-Finnish European, 0.00085%; no homozygotes.

Submission:

Labcorp Genetics (formerly Invitae), Labcorp
Classification: Uncertain significance for Emery-Dreifuss muscular dystrophy 4, autosomal dominant; Autosomal recessive ataxia, Beauce type. Last evaluated: 2023-02-18. Review status: criteria provided, single submitter. Criteria: Invitae Variant Classification Sherloc (09022015). Collection method: clinical testing. Allele origin: germline.
Comment: This variant is present in population databases (no rsID available, gnomAD 0.0009%). This sequence change replaces serine, which is neutral and polar, with leucine, which is neutral and non-polar, at codon 2462 of the SYNE1 protein (p.Ser2462Leu). This variant has not been reported in the literature in individuals affected with SYNE1-related conditions. In summary, the available evidence is currently insufficient to determine the role of this variant in disease. Therefore, it has been classified as a Variant of Uncertain Significance. Algorithms developed to predict the effect of sequence changes on RNA splicing suggest that this variant may disrupt the consensus splice site. An algorithm developed to predict the effect of missense changes on protein structure and function (PolyPhen-2) suggests that this variant is likely to be disruptive. ClinVar contains an entry for this variant (Variation ID: 1432262).

NM_182961.4(SYNE1):c.7364C>T (p.Ser2455Leu)

Gene: SYNE1 (spectrin repeat containing nuclear envelope protein 1; minus strand). Cytogenetic location: 6q25.2.
Variant type: single nucleotide variant.
Coding change: c.7364C>T on transcript NM_182961.4 (MANE Select); coding-DNA position 7364, C replaced by T.
Protein change: p.Ser2455Leu; replaces serine 2455 with leucine.
Molecular consequence: missense variant.
Genome position (GRCh38, 1-based): chr6:152,396,967, G>A on the plus strand (C>T on the coding strand, the complement: SYNE1 is on the minus strand). VCF-style: chr6-152396967-G-A. GRCh37 (hg19) VCF-style: chr6-152718102-G-A.
Other names: c.7385C>T, p.Ser2462Leu (NM_033071.5); short protein forms S2455L, S2462L.
Identifiers: ClinVar variation 1432262 (VCV001432262.5), dbSNP rs969369417, ClinGen allele CA150194939.